The following is an entry in ClinVar:

NM_000038.6(APC):c.7537C>G (p.Pro2513Ala)

Gene: APC (APC regulator of Wnt signaling pathway; plus strand). Cytogenetic location: 5q22.2.
Variant type: single nucleotide variant.
Coding change: c.7537C>G on transcript NM_000038.6 (MANE Select); coding-DNA position 7537, C replaced by G.
Protein change: p.Pro2513Ala; replaces proline 2513 with alanine.
Molecular consequence: missense variant. On other transcripts: non-coding transcript variant (2).
Genome position (GRCh38, 1-based): chr5:112,843,131, C>G. VCF-style: chr5-112843131-C-G. GRCh37 (hg19) VCF-style: chr5-112178828-C-G.
Other names: c.7537C>G, p.Pro2513Ala (NM_001127510.3, NM_001354895.2, NM_001407450.1); c.7483C>G, p.Pro2495Ala (NM_001127511.3); c.7591C>G, p.Pro2531Ala (NM_001354896.2, NM_001407447.1, NM_001407448.1 and 1 more transcripts); c.7567C>G, p.Pro2523Ala (NM_001354897.2); c.7462C>G, p.Pro2488Ala (NM_001354898.2); c.7453C>G, p.Pro2485Ala (NM_001354899.2); c.7414C>G, p.Pro2472Ala (NM_001354900.2); c.7360C>G, p.Pro2454Ala (NM_001354901.2, NM_001407453.1); and 12 more; short protein forms P2353A, P2384A, P2412A, P2503A, P2523A, P2230A, P2422A, P2430A.
Identifiers: ClinVar variation 2793266 (VCV002793266.4), dbSNP rs2149989152, ClinGen allele CA16037715.
Genomic context (GRCh38, chr5:112,843,131, plus strand): 5'-CTATCCACACATTCGTCTGTTCAGGCTGGTGGATGGCGAAAACTCCCACCTAATCTCAGT[C>G]CCACTATAGAGTATAATGATGGAAGACCAGCAAAGCGCCATGATATTGCACGGTCTCATT-3'
Protein context (NP_000029.2, residues 2503-2523): GWRKLPPNLS[Pro2513Ala]TIEYNDGRPA

ClinVar aggregate classification (germline): Uncertain significance. Review status: criteria provided, multiple submitters, no conflicts (2 of 4 stars). 2 submissions from 2 submitters: Uncertain significance (2). Last evaluated 2025-11-17.

Conditions:
Hereditary cancer-predisposing syndrome. Also called: Hereditary Cancer Syndrome; Neoplastic Syndromes, Hereditary; Tumor predisposition; Hereditary neoplastic syndrome. Identifiers: Orphanet 140162, MedGen C0027672, MeSH D009386, MONDO:0015356.
Familial adenomatous polyposis 1 (FAP1). Also called: FAMILIAL ADENOMATOUS POLYPOSIS 1, ATTENUATED; POLYPOSIS, ADENOMATOUS INTESTINAL. Identifiers: MedGen C2713442, MONDO:0021056, OMIM 175100. Disease mechanism: loss of function.

Submissions (2):

Ambry Genetics
Classification: Uncertain significance for Hereditary cancer-predisposing syndrome. Last evaluated: 2025-11-17. Review status: criteria provided, single submitter. Criteria: Ambry Variant Classification Scheme 2023. Collection method: clinical testing. Allele origin: germline.
Comment: The p.P2513A variant (also known as c.7537C>G), located in coding exon 15 of the APC gene, results from a C to G substitution at nucleotide position 7537. The proline at codon 2513 is replaced by alanine, an amino acid with highly similar properties. This amino acid position is conserved. In addition, in silico predictors for this gene do not accurately predict pathogenicity. Based on the available evidence, the clinical significance of this variant remains unclear.

Labcorp Genetics (formerly Invitae), Labcorp
Classification: Uncertain significance for Familial adenomatous polyposis 1. Last evaluated: 2023-12-30. Review status: criteria provided, single submitter. Criteria: Invitae Variant Classification Sherloc (09022015). Collection method: clinical testing. Allele origin: germline.
Comment: This sequence change replaces proline, which is neutral and non-polar, with alanine, which is neutral and non-polar, at codon 2513 of the APC protein (p.Pro2513Ala). This variant is not present in population databases (gnomAD no frequency). This variant has not been reported in the literature in individuals affected with APC-related conditions. Advanced modeling of protein sequence and biophysical properties (such as structural, functional, and spatial information, amino acid conservation, physicochemical variation, residue mobility, and thermodynamic stability) performed at Invitae indicates that this missense variant is not expected to disrupt APC protein function with a negative predictive value of 95%. In summary, the available evidence is currently insufficient to determine the role of this variant in disease. Therefore, it has been classified as a Variant of Uncertain Significance.